The following is an entry in ClinVar:

NM_031308.4(EPPK1):c.604G>A (p.Asp202Asn)

Gene: EPPK1 (epiplakin 1; minus strand). Cytogenetic location: 8q24.3.
Variant type: single nucleotide variant.
Coding change: c.604G>A on transcript NM_031308.4 (MANE Select); coding-DNA position 604, G replaced by A.
Protein change: p.Asp202Asn; replaces aspartic acid 202 with asparagine.
Molecular consequence: missense variant.
Genome position (GRCh38, 1-based): chr8:143,872,650, C>T on the plus strand (G>A on the coding strand, the complement: EPPK1 is on the minus strand). VCF-style: chr8-143872650-C-T. GRCh37 (hg19) VCF-style: chr8-144946818-C-T.
Other names: short protein forms D202N.
Identifiers: ClinVar variation 3034739 (VCV003034739.2), dbSNP rs13260439, ClinGen allele CA4923584.
Genomic context (GRCh38, chr8:143,872,650, plus strand): 5'-GGGCACGCACACACCTTTCCAGCAGCTGGTGGTATGTCAGCCGCTCCAGCGTGTTGGGGT[C>T]GAGGAAGCGCAGGTCACCTGTGCCAGGCTCAAGCTCTGACAGCTTGTGCCATGTCTCCCG-3'
Protein context (NP_112598.3, residues 192-212): EPGTGDLRFL[Asp202Asn]PNTLERLTYH

ClinVar aggregate classification (germline): Benign (0 of 4 stars; one submission).

Conditions:
EPPK1-related disorder. Also called: EPPK1-related condition.

Allele frequency attached by ClinVar (database versions not stated): 1000 Genomes Project 30x 0.29513; 1000 Genomes Project 0.29633; TOPMed 0.36496; ESP Exome Variant Server 0.37009; gnomAD 0.37477; ExAC 0.44538; gnomAD exomes 0.48097.

Submission:

PreventionGenetics, part of Exact Sciences
Classification: Benign for EPPK1-related condition. Last evaluated: 2021-04-12. Review status: no assertion criteria provided. Collection method: clinical testing. Allele origin: germline.
Comment: This variant is classified as benign based on ACMG/AMP sequence variant interpretation guidelines (Richards et al. 2015 PMID: 25741868, with internal and published modifications).